The following is an entry in ClinVar:

NM_000142.5(FGFR3):c.2029G>A (p.Val677Ile)

Gene: FGFR3 (fibroblast growth factor receptor 3; plus strand). Cytogenetic location: 4p16.3.
Variant type: single nucleotide variant.
Coding change: c.2029G>A on transcript NM_000142.5 (MANE Select); coding-DNA position 2029, G replaced by A.
Protein change: p.Val677Ile; replaces valine 677 with isoleucine.
Molecular consequence: missense variant. On other transcripts: non-coding transcript variant (1), intron variant (1).
Genome position (GRCh38, 1-based): chr4:1,806,326, G>A. VCF-style: chr4-1806326-G-A. GRCh37 (hg19) VCF-style: chr4-1808053-G-A.
Other names: c.2035G>A, p.Val679Ile (NM_001163213.2); c.2032G>A, p.Val678Ile (NM_001354809.2); c.1693G>A, p.Val565Ile (NM_022965.4); c.1962+153G>A (NM_001354810.2); short protein forms V565I, V677I, V678I, V679I.
Identifiers: ClinVar variation 3704409 (VCV003704409.3).

ClinVar aggregate classification (germline): Uncertain significance. Review status: criteria provided, multiple submitters, no conflicts (2 of 4 stars). 2 submissions from 2 submitters: Uncertain significance (2). Last evaluated 2026-06-23.

Conditions:
FGFR3-related chondrodysplasia. Identifiers: Orphanet 93420, MedGen C5681604, MONDO:0019685.

gnomAD v4.1: 4 of 1,612,920 alleles (0.00025%); highest among the groups gnomAD compares: Non-Finnish European, 0.00025%; no homozygotes.

Submissions (2):

Genomenon, Inc
Classification: Uncertain significance for FGFR3-related chondrodysplasia. Last evaluated: 2026-06-23. Review status: criteria provided, single submitter. Criteria: Genomenon Sequence Variant Interpretation Standards - Updated. Collection method: curation. Allele origin: germline. Affected: no.
Comment: FGFR3 p.Val677Ile (c.2029G>A) is a missense variant that changes the amino acid at codon 677 from Valine to Isoleucine. To our knowledge, this variant has not been reported in patients affected with an FGFR3-related disorder in the published literature. Functional studies have been reported (PMID:26992226). It is absent or not present at a significant frequency in gnomAD. In silico models predict that this variant is possibly or probably damaging. In conclusion, we classify FGFR3 p.Val677Ile (c.2029G>A) as a variant of uncertain significance.

Labcorp Genetics (formerly Invitae), Labcorp
Classification: Uncertain significance. Last evaluated: 2024-12-02. Review status: criteria provided, single submitter. Criteria: Invitae Variant Classification Sherloc (09022015). Collection method: clinical testing. Allele origin: germline.
Comment: This sequence change replaces valine, which is neutral and non-polar, with isoleucine, which is neutral and non-polar, at codon 677 of the FGFR3 protein (p.Val677Ile). This variant is present in population databases (no rsID available, gnomAD 0.006%). This variant has not been reported in the literature in individuals affected with FGFR3-related conditions. This variant is also known as p.Val565Ile. An algorithm developed to predict the effect of missense changes on protein structure and function (PolyPhen-2) suggests that this variant is likely to be disruptive. Experimental studies have shown that this missense change does not substantially affect FGFR3 function (PMID: 26992226). In summary, the available evidence is currently insufficient to determine the role of this variant in disease. Therefore, it has been classified as a Variant of Uncertain Significance.

Literature cited by the submitters: PubMed 26992226 (cited by Genomenon, Inc and Labcorp Genetics (formerly Invitae), Labcorp).